The following is an entry in ClinVar:

NM_001205293.3(CACNA1E):c.3266G>A (p.Ser1089Asn)

Gene: CACNA1E (calcium voltage-gated channel subunit alpha1 E; plus strand). Cytogenetic location: 1q25.3.
Variant type: single nucleotide variant.
Coding change: c.3266G>A on transcript NM_001205293.3 (MANE Select); coding-DNA position 3266, G replaced by A.
Protein change: p.Ser1089Asn; replaces serine 1089 with asparagine.
Molecular consequence: missense variant.
Genome position (GRCh38, 1-based): chr1:181,736,278, G>A. VCF-style: chr1-181736278-G-A. GRCh37 (hg19) VCF-style: chr1-181705414-G-A.
Other names: c.3266G>A, p.Ser1089Asn (NM_000721.4); c.3209G>A, p.Ser1070Asn (NM_001205294.2); short protein forms S1070N, S1089N.
Identifiers: ClinVar variation 1700875 (VCV001700875.3), dbSNP rs1656022956, ClinGen allele CA343621423.

ClinVar aggregate classification (germline): Uncertain significance. Review status: criteria provided, multiple submitters, no conflicts (2 of 4 stars). 2 submissions from 2 submitters: Uncertain significance (2). Last evaluated 2023-11-08.

Conditions:
Developmental and epileptic encephalopathy, 69. Also called: EPILEPTIC ENCEPHALOPATHY, EARLY INFANTILE, 69. Identifiers: MedGen C4748988, MONDO:0032657, OMIM 618285.

Allele frequency attached by ClinVar (database versions not stated): gnomAD exomes below 0.00001; TOPMed 0.00001.
gnomAD v4.1: 2 of 1,586,008 alleles (0.00013%); highest among the groups gnomAD compares: African/African-American, 0.0013%; no homozygotes.

Submissions (2):

Clinical Genomics Laboratory, Washington University in St. Louis
Classification: Uncertain significance for Developmental and epileptic encephalopathy, 69. Last evaluated: 2023-11-08. Review status: criteria provided, single submitter. Criteria: ACMG Guidelines, 2015. Collection method: clinical testing. Allele origin: germline. Affected: yes.
Comment: The CACNA1E c.3266G>A (p.Ser1089Asn) variant, to our knowledge, has not been reported in the medical literature but has been reported in the ClinVar database as a germline variant of uncertain significance by one submitter. This variant is absent from the general population (gnomAD v.2.1.1), indicating it is not a common variant. Computational predictors suggest that the variant does not impact CACNA1E function. Due to limited information, and based on ACMG/AMP guidelines for variant interpretation (Richards S et al., PMID: 25741868), the clinical significance of this variant is uncertain at this time.

GeneDx
Classification: Uncertain significance. Last evaluated: 2022-02-11. Review status: criteria provided, single submitter. Criteria: GeneDx Variant Classification Process June 2021. Collection method: clinical testing. Allele origin: germline. Affected: yes.
Comment: Not observed at significant frequency in large population cohorts (gnomAD); In silico analysis supports that this missense variant does not alter protein structure/function; Has not been previously published as pathogenic or benign to our knowledge